The following is an entry in ClinVar:

ClinVar aggregate classification (germline): Uncertain significance. Review status: criteria provided, multiple submitters, no conflicts (2 of 4 stars). 2 submissions from 2 submitters: Uncertain significance (2). Last evaluated 2024-02-21.

gnomAD v4.1: 1 of 1,310,490 alleles (0.000076%); no homozygotes.

Submissions (2):

Blueprint Genetics
Classification: Uncertain significance. Last evaluated: 2024-02-21. Review status: criteria provided, single submitter. Criteria: ACMG Guidelines, 2015. Collection method: clinical testing. Allele origin: germline.

Labcorp Genetics (formerly Invitae), Labcorp
Classification: Uncertain significance. Last evaluated: 2023-10-03. Review status: criteria provided, single submitter. Criteria: Invitae Variant Classification Sherloc (09022015). Collection method: clinical testing. Allele origin: germline.
Comment: This sequence change affects a donor splice site in intron 1 of the ARL3 gene. It is expected to disrupt RNA splicing. Variants that disrupt the donor or acceptor splice site typically lead to a loss of protein function (PMID: 16199547), however the current clinical and genetic evidence is not sufficient to establish whether loss-of-function variants in ARL3 cause disease. This variant is not present in population databases (gnomAD no frequency). This variant has not been reported in the literature in individuals affected with ARL3-related conditions. ClinVar contains an entry for this variant (Variation ID: 1352025). Algorithms developed to predict the effect of sequence changes on RNA splicing suggest that this variant may disrupt the consensus splice site. In summary, the available evidence is currently insufficient to determine the role of this variant in disease. Therefore, it has been classified as a Variant of Uncertain Significance.

Literature cited by the submitters: PubMed 16199547 (cited by Labcorp Genetics (formerly Invitae), Labcorp).

NM_004311.4(ARL3):c.3+2T>C

Gene: ARL3 (ARF like GTPase 3; minus strand). Cytogenetic location: 10q24.32.
Variant type: single nucleotide variant.
Coding change: c.3+2T>C on transcript NM_004311.4 (MANE Select); the canonical splice donor site of the intron after coding-DNA position 3, T replaced by C.
Molecular consequence: splice donor variant.
Genome position (GRCh38, 1-based): chr10:102,714,271, A>G on the plus strand (T>C on the coding strand, the complement: ARL3 is on the minus strand). VCF-style: chr10-102714271-A-G. GRCh37 (hg19) VCF-style: chr10-104474028-A-G.
Identifiers: ClinVar variation 1352025 (VCV001352025.9), dbSNP rs1175806511, ClinGen allele CA377926249.